The following is an entry in ClinVar:

ClinVar aggregate classification (germline): Likely benign. Review status: criteria provided, multiple submitters, no conflicts (2 of 4 stars). 3 submissions from 3 submitters: Likely benign (2). 1 of the submissions does not count toward it. Last evaluated 2026-09-01.

Conditions:
ZNF142-related disorder. Also called: ZNF142-related condition.
Inborn genetic diseases. Identifiers: MedGen C0950123, MeSH D030342.

Allele frequency attached by ClinVar (database versions not stated): 1000 Genomes Project 30x 0.00281; 1000 Genomes Project 0.00300; ESP Exome Variant Server 0.00589.
gnomAD v4.1: 10,217 of 1,449,384 alleles (0.7%); highest among the groups gnomAD compares: Non-Finnish European, 0.83%; 62 homozygotes.

Submissions (3):

CeGaT Center for Human Genetics Tuebingen
Classification: Likely benign. Last evaluated: 2026-09-01. Review status: criteria provided, single submitter. Criteria: CeGaT Center For Human Genetics Tuebingen Variant Classification Criteria Version 2. Collection method: clinical testing. Allele origin: germline. Affected: yes. Observed: 34 variant alleles.
Comment: ZNF142: BP4, BS2

Ambry Genetics
Classification: Likely benign for Inborn genetic diseases. Last evaluated: 2025-03-19. Review status: criteria provided, single submitter. Criteria: Ambry Variant Classification Scheme 2023. Collection method: clinical testing. Allele origin: germline.

PreventionGenetics, part of Exact Sciences
Classification: Benign for ZNF142-related condition. Last evaluated: 2024-05-06. Review status: no assertion criteria provided. Collection method: clinical testing. Allele origin: germline. Not counted in ClinVar's aggregate classification.
Comment: This variant is classified as benign based on ACMG/AMP sequence variant interpretation guidelines (Richards et al. 2015 PMID: 25741868, with internal and published modifications).

NM_001379659.1(ZNF142):c.43G>A (p.Gly15Arg)

Gene: ZNF142 (zinc finger protein 142; minus strand). Cytogenetic location: 2q35.
Variant type: single nucleotide variant.
Coding change: c.43G>A on transcript NM_001379659.1 (MANE Select); coding-DNA position 43, G replaced by A.
Protein change: p.Gly15Arg; replaces glycine 15 with arginine.
Molecular consequence: missense variant.
Genome position (GRCh38, 1-based): chr2:218,656,387, C>T on the plus strand (G>A on the coding strand, the complement: ZNF142 is on the minus strand). VCF-style: chr2-218656387-C-T. GRCh37 (hg19) VCF-style: chr2-219521110-C-T.
Other names: c.43G>A, p.Gly15Arg (NM_001105537.5, NM_001366290.3, NM_001366291.3 and 7 more transcripts); c.-569G>A (NM_001366287.3, NM_001366288.3, NM_001366289.3); c.43G>A (NM_001105537.1); short protein forms G15R.
Identifiers: ClinVar variation 2498863 (VCV002498863.29), dbSNP rs61733649, ClinGen allele CA2109562.